The following is an entry in ClinVar:

ClinVar aggregate classification (germline): Uncertain significance (1 of 4 stars; one submission).

gnomAD v4.1: 12 of 1,199,151 alleles (0.001%); highest among the groups gnomAD compares: East Asian, 0.024%; no homozygotes.

Submission:

Labcorp Genetics (formerly Invitae), Labcorp
Classification: Uncertain significance. Last evaluated: 2025-02-15. Review status: criteria provided, single submitter. Criteria: Invitae Variant Classification Sherloc (09022015). Collection method: clinical testing. Allele origin: germline.
Comment: This sequence change replaces valine, which is neutral and non-polar, with methionine, which is neutral and non-polar, at codon 139 of the GPR143 protein (p.Val139Met). This variant is present in population databases (rs778099606, gnomAD 0.04%). This variant has not been reported in the literature in individuals affected with GPR143-related conditions. Invitae Evidence Modeling of protein sequence and biophysical properties (such as structural, functional, and spatial information, amino acid conservation, physicochemical variation, residue mobility, and thermodynamic stability) has been performed for this missense variant. However, the output from this modeling did not meet the statistical confidence thresholds required to predict the impact of this variant on GPR143 protein function. In summary, the available evidence is currently insufficient to determine the role of this variant in disease. Therefore, it has been classified as a Variant of Uncertain Significance.

NM_000273.3(GPR143):c.415G>A (p.Val139Met)

Gene: GPR143 (G protein-coupled receptor 143; minus strand). Cytogenetic location: Xp22.2.
Variant type: single nucleotide variant.
Coding change: c.415G>A on transcript NM_000273.3 (MANE Select); coding-DNA position 415, G replaced by A.
Protein change: p.Val139Met; replaces valine 139 with methionine.
Molecular consequence: missense variant.
Genome position (GRCh38, 1-based): chrX:9,759,372, C>T on the plus strand (G>A on the coding strand, the complement: GPR143 is on the minus strand). VCF-style: chrX-9759372-C-T. GRCh37 (hg19) VCF-style: chrX-9727412-C-T.
Other names: short protein forms V139M.
Identifiers: ClinVar variation 3625176 (VCV003625176.2).
Genomic context (GRCh38, chrX:9,759,372, plus strand): 5'-CCCATTTCCTCGGTGAATACCTCAGTCCTGCCGATCTCCGGATCACCAGATAAGCATCCA[C>T]TGCATAGCAAAACAGCCACCAGAAGCAGGCACTGTACAACAGCTGGATCCACATCTGCAA-3'
Protein context (NP_000264.2, residues 129-149): ACFWWLFCYA[Val139Met]DAYLVIRRSA